The following is an entry in ClinVar:

ClinVar aggregate classification (germline): Uncertain significance (1 of 4 stars; one submission).

Conditions:
Hereditary cancer-predisposing syndrome. Also called: Neoplastic Syndromes, Hereditary; Tumor predisposition; Hereditary Cancer Syndrome; Hereditary neoplastic syndrome. Identifiers: Orphanet 140162, MedGen C0027672, MeSH D009386, MONDO:0015356.

gnomAD v4.1: 1 of 1,613,672 alleles (0.000062%); highest among the groups gnomAD compares: African/African-American, 0.0013%; no homozygotes.

Submission:

Ambry Genetics
Classification: Uncertain significance for Hereditary cancer-predisposing syndrome. Last evaluated: 2025-11-09. Review status: criteria provided, single submitter. Criteria: Ambry Variant Classification Scheme 2023. Collection method: clinical testing. Allele origin: germline.
Comment: The p.N2411D variant (also known as c.7231A>G), located in coding exon 15 of the APC gene, results from an A to G substitution at nucleotide position 7231. The asparagine at codon 2411 is replaced by aspartic acid, an amino acid with highly similar properties. This amino acid position is conserved. In addition, in silico predictors for this gene do not accurately predict pathogenicity. Based on the available evidence, the clinical significance of this variant remains unclear.

NM_000038.6(APC):c.7231A>G (p.Asn2411Asp)

Gene: APC (APC regulator of Wnt signaling pathway; plus strand). Cytogenetic location: 5q22.2.
Variant type: single nucleotide variant.
Coding change: c.7231A>G on transcript NM_000038.6 (MANE Select); coding-DNA position 7231, A replaced by G.
Protein change: p.Asn2411Asp; replaces asparagine 2411 with aspartic acid.
Molecular consequence: missense variant. On other transcripts: non-coding transcript variant (2).
Genome position (GRCh38, 1-based): chr5:112,842,825, A>G. VCF-style: chr5-112842825-A-G. GRCh37 (hg19) VCF-style: chr5-112178522-A-G.
Other names: c.7231A>G, p.Asn2411Asp (NM_001354895.2, NM_001407450.1, NM_001127510.3); c.7285A>G, p.Asn2429Asp (NM_001354896.2, NM_001407447.1, NM_001407448.1 and 1 more transcripts); c.7261A>G, p.Asn2421Asp (NM_001354897.2); c.7156A>G, p.Asn2386Asp (NM_001354898.2); c.7147A>G, p.Asn2383Asp (NM_001354899.2); c.7108A>G, p.Asn2370Asp (NM_001354900.2); c.7054A>G, p.Asn2352Asp (NM_001354901.2, NM_001407453.1); c.6958A>G, p.Asn2320Asp (NM_001354902.2); and 11 more; short protein forms N2320D, N2411D, N2027D, N2128D, N2383D, N2386D, N2404D, N2429D.
Identifiers: ClinVar variation 4589219 (VCV004589219.1).
Genomic context (GRCh38, chr5:112,842,825, plus strand): 5'-ATTCCAAGAAGTGAGTCTGCCTCCAAAGGACTAAATCAGATGAATAATGGTAATGGAGCC[A>G]ATAAAAAGGTAGAACTTTCTAGAATGTCTTCAACTAAATCAAGTGGAAGTGAATCTGATA-3'
Protein context (NP_000029.2, residues 2401-2421): LNQMNNGNGA[Asn2411Asp]KKVELSRMSS